The following is an entry in ClinVar:

ClinVar aggregate classification (germline): Conflicting classifications of pathogenicity. Review status: criteria provided, conflicting classifications (1 of 4 stars). 3 submissions from 3 submitters: Uncertain significance (2); Likely benign (1). Last evaluated 2026-04-14.

Conditions:
Coffin-Siris syndrome 6. Identifiers: MedGen C4540499, MONDO:0033492, OMIM 617808.

gnomAD v4.1: 7 of 1,614,080 alleles (0.00043%); highest among the groups gnomAD compares: Non-Finnish European, 0.00059%; no homozygotes.

Submissions (3):

Centre for Medical Genetics,  Mumbai
Classification: Likely benign for Coffin-Siris syndrome 6. Last evaluated: 2026-04-14. Review status: criteria provided, single submitter. Criteria: ACMG Guidelines, 2015. Collection method: provider interpretation. Allele origin: germline. Inheritance: Autosomal dominant inheritance. Affected: no. Observed: 1 variant allele, 1 heterozygote.
Comment: The variant satisfies PM2 criteria - extremely low frequency in gnomAD population databases. However, the variant satisfies BS2 criteria - present in heterozygous state in an individual that clinically does not have Coffin-Siris syndrome.

CeGaT Center for Human Genetics Tuebingen
Classification: Uncertain significance. Last evaluated: 2023-10-01. Review status: criteria provided, single submitter. Criteria: CeGaT Center For Human Genetics Tuebingen Variant Classification Criteria Version 2. Collection method: clinical testing. Allele origin: germline. Affected: yes. Observed: 1 variant allele.
Comment: ARID2: PM2

CENTOGENE GmbH and LLC - Guiding Precision Medicine
Classification: Uncertain significance for Coffin-Siris syndrome 6. Last evaluated: 2019-04-08. Review status: criteria provided, single submitter. Criteria: ACMG Guidelines, 2015. Collection method: clinical testing. Allele origin: maternal. Affected: yes.

Literature cited by the submitters: PubMed 26238514 (cited by Centre for Medical Genetics,  Mumbai).

NM_152641.4(ARID2):c.5093C>G (p.Ala1698Gly)

Gene: ARID2 (AT-rich interaction domain 2; plus strand). Cytogenetic location: 12q12.
Variant type: single nucleotide variant.
Coding change: c.5093C>G on transcript NM_152641.4 (MANE Select); coding-DNA position 5093, C replaced by G.
Protein change: p.Ala1698Gly; replaces alanine 1698 with glycine.
Molecular consequence: missense variant.
Genome position (GRCh38, 1-based): chr12:45,892,042, C>G. VCF-style: chr12-45892042-C-G. GRCh37 (hg19) VCF-style: chr12-46285825-C-G.
Other names: c.5093C>G, p.Ala1698Gly (NM_001347839.2); short protein forms A1698G.
Identifiers: ClinVar variation 1334071 (VCV001334071.26), dbSNP rs1944308198, ClinGen allele CA384498498.